The following is an entry in ClinVar:

ClinVar aggregate classification (germline): Likely benign (0 of 4 stars; one submission).

Conditions:
CSMD3-related disorder. Also called: CSMD3-related condition.

Allele frequency attached by ClinVar (database versions not stated): gnomAD exomes 0.00005; gnomAD 0.00007; TOPMed 0.00008; ExAC 0.00012; ESP Exome Variant Server 0.00015.
gnomAD v4.1: 89 of 1,613,464 alleles (0.0055%); highest among the groups gnomAD compares: Admixed American, 0.0083%; no homozygotes.

Submission:

PreventionGenetics, part of Exact Sciences
Classification: Likely benign for CSMD3-related condition. Last evaluated: 2019-07-10. Review status: no assertion criteria provided. Collection method: clinical testing. Allele origin: germline.
Comment: This variant is classified as likely benign based on ACMG/AMP sequence variant interpretation guidelines (Richards et al. 2015 PMID: 25741868, with internal and published modifications).

NM_198123.2(CSMD3):c.8788+5A>G

Gene: CSMD3 (CUB and Sushi multiple domains 3; minus strand). Cytogenetic location: 8q23.3.
Variant type: single nucleotide variant.
Coding change: c.8788+5A>G on transcript NM_198123.2 (MANE Select); 5 bases into the intron after coding-DNA position 8788, A replaced by G.
Molecular consequence: intron variant.
Genome position (GRCh38, 1-based): chr8:112,292,532, T>C on the plus strand (A>G on the coding strand, the complement: CSMD3 is on the minus strand). VCF-style: chr8-112292532-T-C. GRCh37 (hg19) VCF-style: chr8-113304761-T-C.
Other names: c.8188+5A>G (NM_001363185.1); c.8281+5A>G (NM_052900.3); c.8668+5A>G (NM_198124.2).
Identifiers: ClinVar variation 3050633 (VCV003050633.2), dbSNP rs372998351, ClinGen allele CA4848877.
Genomic context (GRCh38, chr8:112,292,532, plus strand): 5'-TGTCACTGATGTTTATGTGAATATTATTATCATGCCACCAAATGGGAATATACTTAGACA[T>C]TTACCTTTGCACATAGGTGGAGGATGGCTCCACTGTCTGTTGGCCTGGCACTGTGCCTTT-3'